The following is an entry in ClinVar:

ClinVar aggregate classification (germline): Benign. Review status: criteria provided, multiple submitters, no conflicts (2 of 4 stars). 3 submissions from 2 submitters: Benign (3). Last evaluated 2021-09-16.

Conditions:
Bardet-Biedl syndrome 11 (BBS11). Identifiers: Orphanet 110, MedGen C1859569, MONDO:0014439, OMIM 615988.
Sarcotubular myopathy (LGMDR8). Also called: Limb-girdle muscular dystrophy, type 2H; Hutterite type of muscular dystrophy; Autosomal recessive limb-girdle muscular dystrophy type 2H; MUSCULAR DYSTROPHY, LIMB-GIRDLE, AUTOSOMAL RECESSIVE 8. Identifiers: Orphanet 1878, MedGen C0270968, MONDO:0009683, OMIM 254110.

Allele frequency attached by ClinVar (database versions not stated): gnomAD exomes 0.00006; 1000 Genomes Project 0.01458; gnomAD 0.01554 and 0.01666; 1000 Genomes Project 30x 0.01608; TOPMed 0.01754.
gnomAD v4.1: 2,341 of 169,708 alleles (1.4%); highest among the groups gnomAD compares: African/African-American, 5.4%; 62 homozygotes.

Submissions (3):

GeneDx
Classification: Benign. Last evaluated: 2021-09-16. Review status: criteria provided, single submitter. Criteria: GeneDx Variant Classification Process June 2021. Collection method: clinical testing. Allele origin: germline. Affected: yes.

Illumina Laboratory Services, Illumina
Classification: Benign for Bardet-Biedl syndrome 11. Last evaluated: 2018-01-13. Review status: criteria provided, single submitter. Criteria: ICSL Variant Classification Criteria 13 December 2019. Collection method: clinical testing. Allele origin: germline.
Comment: This variant was observed in the ICSL laboratory as part of a predisposition screen in an ostensibly healthy population. It had not been previously curated by ICSL or reported in the Human Gene Mutation Database (HGMD: prior to June 1st, 2018), and was therefore a candidate for classification through an automated scoring system. Utilizing variant allele frequency, disease prevalence and penetrance estimates, and inheritance mode, an automated score was calculated to assess if this variant is too frequent to cause the disease. Based on the score and internal cut-off values, a variant classified as benign is not then subjected to further curation. The score for this variant resulted in a classification of benign for this disease.

Illumina Laboratory Services, Illumina
Classification: Benign for Sarcotubular myopathy. Last evaluated: 2018-01-13. Review status: criteria provided, single submitter. Criteria: ICSL Variant Classification Criteria 13 December 2019. Collection method: clinical testing. Allele origin: germline.
Comment: the same text as in the submission from Illumina Laboratory Services, Illumina above.

NM_012210.4(TRIM32):c.*589G>A

Genes: ASTN2 (astrotactin 2; minus strand), TRIM32 (tripartite motif containing 32; plus strand). Cytogenetic location: 9q33.1.
Variant type: single nucleotide variant.
Coding change: c.*589G>A on transcript NM_012210.4 (MANE Select); 589 bases downstream of the stop codon, G replaced by A.
Molecular consequence: 3 prime UTR variant. On other transcripts: intron variant (3).
Genome position (GRCh38, 1-based): chr9:116,700,293, G>A. VCF-style: chr9-116700293-G-A. GRCh37 (hg19) VCF-style: chr9-119462572-G-A.
Other names: c.*589G>A (NM_001099679.2, NM_001379048.1, NM_001379049.1 and 1 more transcripts); c.2653+25478C>T (NM_014010.5); c.2794+25478C>T (NM_001365069.1); c.2806+25478C>T (NM_001365068.1).
Identifiers: ClinVar variation 364729 (VCV000364729.6), dbSNP rs16933835, ClinGen allele CA10628866.